The following is an entry in ClinVar:

ClinVar aggregate classification (germline): Uncertain significance. Review status: criteria provided, single submitter (1 of 4 stars). 2 submissions from 2 submitters: Uncertain significance (1). 1 of the submissions does not count toward it. Last evaluated 2024-11-30.

Conditions:
PPARG-related disorder. Also called: PPARG-related disorders; PPARG-related condition.

gnomAD v4.1: 26 of 1,614,026 alleles (0.0016%); highest among the groups gnomAD compares: African/African-American, 0.035%; no homozygotes.

Submissions (2):

Labcorp Genetics (formerly Invitae), Labcorp
Classification: Uncertain significance. Last evaluated: 2024-11-30. Review status: criteria provided, single submitter. Criteria: Invitae Variant Classification Sherloc (09022015). Collection method: clinical testing. Allele origin: germline.
Comment: This sequence change replaces phenylalanine, which is neutral and non-polar, with leucine, which is neutral and non-polar, at codon 43 of the PPARG protein (p.Phe43Leu). This variant is present in population databases (rs375308989, gnomAD 0.03%). This missense change has been observed in individual(s) with PPARG-related conditions (PMID: 36325899). This variant is also known as c.43T>C (p.Phe15Leu). Invitae Evidence Modeling of protein sequence and biophysical properties (such as structural, functional, and spatial information, amino acid conservation, physicochemical variation, residue mobility, and thermodynamic stability) has been performed for this missense variant. However, the output from this modeling did not meet the statistical confidence thresholds required to predict the impact of this variant on PPARG protein function. In summary, the available evidence is currently insufficient to determine the role of this variant in disease. Therefore, it has been classified as a Variant of Uncertain Significance.

PreventionGenetics, part of Exact Sciences
Classification: Uncertain significance for PPARG-related condition. Last evaluated: 2024-08-05. Review status: no assertion criteria provided. Collection method: clinical testing. Allele origin: germline. Not counted in ClinVar's aggregate classification.
Comment: The PPARG c.127T>C variant is predicted to result in the amino acid substitution p.Phe43Leu. To our knowledge, this variant has not been reported in the literature in patients with PPARG-related disorders. This variant is reported in 0.028% of alleles in individuals of African descent in gnomAD. At this time, the clinical significance of this variant is uncertain due to the absence of conclusive functional and genetic evidence.

Literature cited by the submitters: PubMed 36325899 (cited by Labcorp Genetics (formerly Invitae), Labcorp).

NM_138711.6(PPARG):c.37T>C (p.Phe13Leu)

Gene: PPARG (peroxisome proliferator activated receptor gamma; plus strand). Cytogenetic location: 3p25.2.
Variant type: single nucleotide variant.
Coding change: c.37T>C on transcript NM_138711.6 (MANE Select); coding-DNA position 37, T replaced by C.
Protein change: p.Phe13Leu; replaces phenylalanine 13 with leucine.
Molecular consequence: missense variant. On other transcripts: 5 prime UTR variant (1).
Genome position (GRCh38, 1-based): chr3:12,379,748, T>C. VCF-style: chr3-12379748-T-C. GRCh37 (hg19) VCF-style: chr3-12421247-T-C.
Other names: c.37T>C, p.Phe13Leu (NM_001330615.4, NM_001354666.3, NM_001354667.3 and 6 more transcripts); c.127T>C, p.Phe43Leu (NM_001354668.2, NM_001374265.1, NM_015869.5); c.-391T>C (NM_001354669.2); c.43T>C, p.Phe15Leu (NM_001354670.2, NM_001374266.1); short protein forms F13L, F15L, F43L.
Identifiers: ClinVar variation 3353130 (VCV003353130.3).